The following is an entry in ClinVar:

NM_001853.4(COL9A3):c.800G>A (p.Arg267Gln)

Gene: COL9A3 (collagen type IX alpha 3 chain; plus strand). Cytogenetic location: 20q13.33.
Variant type: single nucleotide variant.
Coding change: c.800G>A on transcript NM_001853.4 (MANE Select); coding-DNA position 800, G replaced by A.
Protein change: p.Arg267Gln; replaces arginine 267 with glutamine.
Molecular consequence: missense variant.
Genome position (GRCh38, 1-based): chr20:62,827,248, G>A. VCF-style: chr20-62827248-G-A. GRCh37 (hg19) VCF-style: chr20-61458600-G-A.
Other names: c.800G>A, p.Arg267Gln (LRG_1253t1); short protein forms R267Q.
Identifiers: ClinVar variation 339278 (VCV000339278.12), dbSNP rs749822735, ClinGen allele CA9949526.

ClinVar aggregate classification (germline): Uncertain significance. Review status: criteria provided, multiple submitters, no conflicts (2 of 4 stars). 4 submissions from 4 submitters: Uncertain significance (3). 1 of the submissions does not count toward it. Last evaluated 2024-05-29.

Conditions:
Epiphyseal dysplasia, multiple, 3 (EDM3). Also called: COL9A3-Related Multiple Epiphyseal Dysplasia; Epiphyseal dysplasia, multiple, 3, with or without myopathy. Identifiers: MedGen C1832998, MONDO:0010964, OMIM 600969.
Inborn genetic diseases. Identifiers: MedGen C0950123, MeSH D030342.

Allele frequency attached by ClinVar (database versions not stated): TOPMed 0.00001; gnomAD 0.00002; gnomAD exomes 0.00003 and 0.00005; ExAC 0.00005.
gnomAD v4.1: 39 of 1,613,154 alleles (0.0024%); highest among the groups gnomAD compares: South Asian, 0.0088%; 1 homozygote.

Submissions (4):

Ambry Genetics
Classification: Uncertain significance for Inborn genetic diseases. Last evaluated: 2024-05-29. Review status: criteria provided, single submitter. Criteria: Ambry Variant Classification Scheme 2023. Collection method: clinical testing. Allele origin: germline.

Labcorp Genetics (formerly Invitae), Labcorp
Classification: Uncertain significance. Last evaluated: 2024-04-09. Review status: criteria provided, single submitter. Criteria: Invitae Variant Classification Sherloc (09022015). Collection method: clinical testing. Allele origin: germline.
Comment: This sequence change replaces arginine, which is basic and polar, with glutamine, which is neutral and polar, at codon 267 of the COL9A3 protein (p.Arg267Gln). This variant is present in population databases (rs749822735, gnomAD 0.01%). This variant has not been reported in the literature in individuals affected with COL9A3-related conditions. ClinVar contains an entry for this variant (Variation ID: 339278). Advanced modeling of protein sequence and biophysical properties (such as structural, functional, and spatial information, amino acid conservation, physicochemical variation, residue mobility, and thermodynamic stability) performed at Invitae indicates that this missense variant is not expected to disrupt COL9A3 protein function with a negative predictive value of 95%. In summary, the available evidence is currently insufficient to determine the role of this variant in disease. Therefore, it has been classified as a Variant of Uncertain Significance.

Pittsburgh Clinical Genomics Laboratory, University of Pittsburgh Medical Center
Classification: Uncertain significance for Epiphyseal dysplasia, multiple, 3. Last evaluated: 2024-01-30. Review status: criteria provided, single submitter. Criteria: ACMG Guidelines, 2015. Collection method: clinical testing. Allele origin: germline. Inheritance: Autosomal unknown. Affected: yes.
Comment: This sequence variant is a single nucleotide substitution (G>A) at position 800 of the coding sequence of the COL9A3 gene that results in an arginine to glutamine amino acid change at residue 267 of the collagen type IX alpha 3 chain protein. This is a previously reported variant (ClinVar 339278) that has not been observed in the literature in individuals affected by COL9A3-related disease, to our knowledge. This variant is present in 39/1613154 alleles (0.002418%) in gnomAD v4.0.0 dataset. Multiple bioinformatic tools predict that this amino acid change would be neutral, and the Arg267 residue at this position is moderately conserved across the vertebrate species examined. Studies examining the functional consequence of this variant have not been performed, to our knowledge. At this time, there is insufficient evidence to determine if this variant is pathogenic or benign. Therefore, we consider this a variant of uncertain significance. ACMG Criteria: BP1, BP4, PM2

Department of Pathology and Laboratory Medicine, Sinai Health System
Classification: Uncertain significance. Review status: no assertion criteria provided. Collection method: clinical testing. Allele origin: unknown. Affected: yes. Study: The Canadian Open Genetics Repository (COGR). Not counted in ClinVar's aggregate classification.
Comment: The COL9A3 p.Arg267Gln variant was not identified in the literature but was identified in dbSNP (ID: rs749822735) and ClinVar (classified as uncertain significance by Illumina for Multiple Epiphyseal Dysplasia, Dominant). The variant was identified in control databases in 14 of 281796 chromosomes at a frequency of 0.00004968 (Genome Aggregation Database March 6, 2019, v2.1.1). The variant was observed in the following populations: South Asian in 4 of 30612 chromosomes (freq: 0.000131) and European (non-Finnish) in 10 of 128440 chromosomes (freq: 0.000078), but was not observed in the African, Latino, Ashkenazi Jewish, East Asian, European (Finnish), or Other populations. The p.Arg267 residue is conserved in mammals but not in more distantly related organisms however computational analyses (PolyPhen-2, SIFT, AlignGVGD, BLOSUM, MutationTaster) do not suggest a high likelihood of impact to the protein; this information is not predictive enough to rule out pathogenicity. The variant occurs outside of the splicing consensus sequence and in silico or computational prediction software programs (SpliceSiteFinder, MaxEntScan, NNSPLICE, GeneSplicer) do not predict a difference in splicing. In summary, based on the above information the clinical significance of this variant cannot be determined with certainty at this time. This variant is classified as a variant of uncertain significance.